The following is an entry in ClinVar:

ClinVar aggregate classification (germline): Likely benign. Review status: criteria provided, multiple submitters, no conflicts (2 of 4 stars). 4 submissions from 4 submitters: Likely benign (4). Last evaluated 2024-07-19.

Conditions:
Familial cancer of breast. Also called: BREAST CANCER, FAMILIAL; Hereditary breast cancer; hereditary breast carcinoma. Identifiers: Orphanet 227535, MedGen C0346153, MONDO:0016419, OMIM 114480. Disease mechanism: loss of function.

Allele frequency attached by ClinVar (database versions not stated): gnomAD exomes 0.00004; gnomAD 0.00086.

Submissions (6):

Myriad Genetics, Inc.
Classification: Likely benign for Familial cancer of breast. Last evaluated: 2024-07-19. Review status: criteria provided, single submitter. Criteria: Myriad Autosomal Dominant, Autosomal Recessive and X-Linked Classification Criteria (2023). Collection method: clinical testing. Allele origin: unknown.
Comment: This variant is considered likely benign. This variant is intronic and is not expected to impact mRNA splicing.

Labcorp Genetics (formerly Invitae), Labcorp
Classification: Likely benign for Familial cancer of breast. Last evaluated: 2023-06-29. Review status: criteria provided, single submitter. Criteria: Invitae Variant Classification Sherloc (09022015). Collection method: clinical testing. Allele origin: germline.

GeneDx
Classification: Likely benign. Last evaluated: 2019-08-01. Review status: criteria provided, single submitter. Criteria: GeneDx Variant Classification Process June 2021. Collection method: clinical testing. Allele origin: germline. Affected: yes.
Comment: Has not been previously published as pathogenic or benign to our knowledge

Mendelics
Classification: Likely benign for Familial cancer of breast. Last evaluated: 2019-05-28. Review status: criteria provided, single submitter. Criteria: Mendelics Assertion Criteria 2017. Collection method: clinical testing. Allele origin: unknown.

Dr. Peter K. Rogan Lab, Western University
No classification provided (evidence only). Condition: Acute myeloid leukemia. Review status: no classification provided. Collection method: in vitro. Allele origin: not applicable. Functional consequence: retained intron. Not counted in ClinVar's aggregate classification.

Dr. Peter K. Rogan Lab, Western University
No classification provided (evidence only). Condition: Ovarian serous cystadenocarcinoma. Review status: no classification provided. Collection method: in vitro. Allele origin: not applicable. Functional consequence: retained intron. Not counted in ClinVar's aggregate classification.

NM_000465.4(BARD1):c.216-13A>T

Gene: BARD1 (BRCA1 associated RING domain 1; minus strand). Cytogenetic location: 2q35.
Variant type: single nucleotide variant.
Coding change: c.216-13A>T on transcript NM_000465.4 (MANE Select); 13 bases into the intron before coding-DNA position 216, A replaced by T.
Molecular consequence: intron variant.
Genome position (GRCh38, 1-based): chr2:214,792,458, T>A on the plus strand (A>T on the coding strand, the complement: BARD1 is on the minus strand). VCF-style: chr2-214792458-T-A. GRCh37 (hg19) VCF-style: chr2-215657182-T-A.
Other names: c.158+16954A>T (NM_001282548.2); c.159-13A>T (NM_001282543.2); c.215+4603A>T (NM_001282545.2); c.216-13A>T (NM_001282549.2).
Identifiers: ClinVar variation 801890 (VCV000801890.13), dbSNP rs1272210676, ClinGen allele CA539837401.